The following is an entry in ClinVar:

ClinVar aggregate classification (germline): Pathogenic. Review status: criteria provided, multiple submitters, no conflicts (2 of 4 stars). 7 submissions from 7 submitters: Pathogenic (7). Last evaluated 2026-02-18.

Conditions:
Cardiovascular phenotype. Identifiers: MedGen CN230736.
COL5A1-related disorders.
Ehlers-Danlos syndrome, classic type, 1 (EDSCL1). Also called: EDS I; Ehlers-Danlos Syndrome, Classic Type, COL5A1-Related; Ehlers-Danlos syndrome, type 1; EHLERS-DANLOS SYNDROME, GRAVIS TYPE; EHLERS-DANLOS SYNDROME, SEVERE CLASSIC TYPE. Identifiers: MedGen C0268335, MONDO:0019567, OMIM 130000.
Ehlers-Danlos syndrome (EDS). Identifiers: Orphanet 98249, MedGen C0013720, MONDO:0020066.

Submissions (7):

GeneDx
Classification: Pathogenic. Last evaluated: 2026-02-18. Review status: criteria provided, single submitter. Criteria: GeneDx Variant Classification Process June 2021. Collection method: clinical testing. Allele origin: germline. Affected: yes.
Comment: Canonical splice site variant predicted to result in an in-frame loss of the adjacent exon in a gene for which loss of function is a known mechanism of disease; Damages or destroys the splice donor site in intron 20, and is expected to cause abnormal gene splicing; if the splice outcome is exon skip, the loss of the encoded residues in the triple helical region is expected to disrupt normal protein folding and function (PMID: 22696272; HGMD); Not observed at significant frequency in large population cohorts (gnomAD); This variant is associated with the following publications: (PMID: 23587214, 34265140, 35128800, 39411402)

Labcorp Genetics (formerly Invitae), Labcorp
Classification: Pathogenic for Ehlers-Danlos syndrome, classic type, 1. Last evaluated: 2026-01-26. Review status: criteria provided, single submitter. Criteria: Invitae Variant Classification Sherloc (09022015). Collection method: clinical testing. Allele origin: germline.
Comment: This sequence change affects a donor splice site in intron 20 of the COL5A1 gene. It is expected to disrupt RNA splicing. Variants that disrupt the donor or acceptor splice site typically lead to a loss of protein function (PMID: 16199547), and loss-of-function variants in COL5A1 are known to be pathogenic (PMID: 23587214). This variant is not present in population databases (gnomAD no frequency). Disruption of this splice site has been observed in individuals with clinical features consistent with Ehlers-Danlos syndrome (PMID: 27011056, 34265140; internal data). ClinVar contains an entry for this variant (Variation ID: 281486). Algorithms developed to predict the effect of sequence changes on RNA splicing suggest that this variant may disrupt the consensus splice site. For these reasons, this variant has been classified as Pathogenic.

Molecular Diagnostic Laboratory for Inherited Cardiovascular Disease, Montreal Heart Institute
Classification: Pathogenic for Cardiovascular phenotype. Last evaluated: 2025-09-05. Review status: criteria provided, single submitter. Criteria: ACMG Guidelines, 2015. Collection method: clinical testing. Allele origin: germline. Affected: yes.
Comment: PVS1_strong, PM2, PM6, PS4_supp

Department of Clinical Genetics, Copenhagen University Hospital, Rigshospitalet
Classification: Pathogenic for Ehlers-Danlos syndrome, classic type, 1. Last evaluated: 2024-04-18. Review status: criteria provided, single submitter. Criteria: ACMG Guidelines, 2015. Collection method: clinical testing. Allele origin: germline.
Comment: PVS1_VStr, PM2_M, PP3_Sup

Blueprint Genetics
Classification: Pathogenic for COL5A1-related disorders. Last evaluated: 2023-02-14. Review status: criteria provided, single submitter. Criteria: ACMG Guidelines, 2015. Collection method: clinical testing. Allele origin: germline. Affected: yes. Observed: 2 variant alleles.

Genome Diagnostics Laboratory, The Hospital for Sick Children
Classification: Pathogenic for Ehlers-Danlos syndrome. Last evaluated: 2018-12-01. Review status: criteria provided, single submitter. Criteria: ACMG Guidelines, 2015. Collection method: clinical testing. Allele origin: germline.

Eurofins Ntd Llc (ga)
Classification: Pathogenic. Last evaluated: 2015-06-23. Review status: criteria provided, single submitter. Criteria: EGL Classification Definitions 2015. Collection method: clinical testing. Allele origin: germline. Observed: 1 variant allele, 1 heterozygote.

Literature cited by the submitters: PubMed 16199547 (cited by Labcorp Genetics (formerly Invitae), Labcorp); PubMed 23587214 (cited by Labcorp Genetics (formerly Invitae), Labcorp); PubMed 27011056 (cited by Labcorp Genetics (formerly Invitae), Labcorp); PubMed 34265140 (cited by Labcorp Genetics (formerly Invitae), Labcorp); PubMed 35128800 (cited by Department of Clinical Genetics, Copenhagen University Hospital, Rigshospitalet).

NM_000093.5(COL5A1):c.2034+1G>A

Gene: COL5A1 (collagen type V alpha 1 chain; plus strand). Cytogenetic location: 9q34.3.
Variant type: single nucleotide variant.
Coding change: c.2034+1G>A on transcript NM_000093.5 (MANE Select); the canonical splice donor site of the intron after coding-DNA position 2034, G replaced by A.
Molecular consequence: splice donor variant.
Genome position (GRCh38, 1-based): chr9:134,763,738, G>A. VCF-style: chr9-134763738-G-A. GRCh37 (hg19) VCF-style: chr9-137655584-G-A.
Other names: c.2034+1G>A (NM_001278074.1).
Identifiers: ClinVar variation 281486 (VCV000281486.25), dbSNP rs886042173, ClinGen allele CA10603896.